The following is an entry in ClinVar:

NM_005269.3(GLI1):c.1509G>C (p.Leu503=)

Gene: GLI1 (GLI family zinc finger 1; plus strand). Cytogenetic location: 12q13.3.
Variant type: single nucleotide variant.
Coding change: c.1509G>C on transcript NM_005269.3 (MANE Select); coding-DNA position 1509, G replaced by C.
Protein change: p.Leu503=; no amino-acid change (leucine 503 retained).
Molecular consequence: synonymous variant.
Genome position (GRCh38, 1-based): chr12:57,469,631, G>C. VCF-style: chr12-57469631-G-C. GRCh37 (hg19) VCF-style: chr12-57863414-G-C.
Other names: c.1125G>C, p.Leu375= (NM_001160045.2); c.1386G>C, p.Leu462= (NM_001167609.2).
Identifiers: ClinVar variation 2643133 (VCV002643133.24), dbSNP rs2540088980, ClinGen allele CA480392836.

ClinVar aggregate classification (germline): Likely benign (1 of 4 stars; one submission).

gnomAD v4.1: 1 of 1,614,090 alleles (0.000062%); no homozygotes.

Submission:

CeGaT Center for Human Genetics Tuebingen
Classification: Likely benign. Last evaluated: 2023-03-01. Review status: criteria provided, single submitter. Criteria: CeGaT Center For Human Genetics Tuebingen Variant Classification Criteria Version 2. Collection method: clinical testing. Allele origin: germline. Affected: yes. Observed: 1 variant allele.
Comment: GLI1: PM2:Supporting, BP4, BP7